The following is an entry in ClinVar:

ClinVar aggregate classification (germline): Benign/Likely benign. Review status: criteria provided, multiple submitters, no conflicts (2 of 4 stars). 4 submissions from 4 submitters: Benign (2); Likely benign (2). Last evaluated 2026-01-27.

Allele frequency attached by ClinVar (database versions not stated): gnomAD exomes 0.00040 and 0.00120; ExAC 0.00154; 1000 Genomes Project 30x 0.00422; 1000 Genomes Project 0.00439; ESP Exome Variant Server 0.00500; TOPMed 0.00521.

Submissions (4):

Labcorp Genetics (formerly Invitae), Labcorp
Classification: Benign. Last evaluated: 2026-01-27. Review status: criteria provided, single submitter. Criteria: Invitae Variant Classification Sherloc (09022015). Collection method: clinical testing. Allele origin: germline.

Blueprint Genetics
Classification: Likely benign. Last evaluated: 2024-08-06. Review status: criteria provided, single submitter. Criteria: ACMG Guidelines, 2015. Collection method: clinical testing. Allele origin: germline.

Mayo Clinic Laboratories, Mayo Clinic
Classification: Benign. Last evaluated: 2024-02-15. Review status: criteria provided, single submitter. Criteria: ACMG Guidelines, 2015. Collection method: clinical testing. Allele origin: germline. Observed: 2 variant alleles.
Comment: BS1, BS2, BP4, BP7

GeneDx
Classification: Likely benign. Last evaluated: 2021-04-21. Review status: criteria provided, single submitter. Criteria: GeneDx Variant Classification Process June 2021. Collection method: clinical testing. Allele origin: germline. Affected: yes.

NM_007055.4(POLR3A):c.4071C>T (p.Thr1357=)

Gene: POLR3A (RNA polymerase III subunit A; minus strand). Cytogenetic location: 10q22.3.
Variant type: single nucleotide variant.
Coding change: c.4071C>T on transcript NM_007055.4 (MANE Select); coding-DNA position 4071, C replaced by T.
Protein change: p.Thr1357=; no amino-acid change (threonine 1357 retained).
Molecular consequence: synonymous variant.
Genome position (GRCh38, 1-based): chr10:77,977,580, G>A on the plus strand (C>T on the coding strand, the complement: POLR3A is on the minus strand). VCF-style: chr10-77977580-G-A. GRCh37 (hg19) VCF-style: chr10-79737338-G-A.
Other names: p.Thr1357=.
Identifiers: ClinVar variation 709980 (VCV000709980.14), dbSNP rs140044475, ClinGen allele CA5570606.
Genomic context (GRCh38, chr10:77,977,580, plus strand): 5'-CAGGGGCCTCTTGGGAGGGTTCGGGTCCCTGTCAGCCTTGTGAAGCAGCTTGAAGAGCCC[G>A]GTTCCAATGTTCATTGGGATTCCCATGATGATGCACTCAGACACCCCTGAAACCAACCAG-3'
Protein context (NP_008986.2, residues 1347-1367): IIMGIPMNIG[Thr1357=]GLFKLLHKAD